The following is an entry in ClinVar:

ClinVar aggregate classification (germline): Benign/Likely benign. Review status: criteria provided, multiple submitters, no conflicts (2 of 4 stars). 7 submissions from 7 submitters: Benign (2); Likely benign (4). 1 of the submissions does not count toward it. Last evaluated 2025-10-29.

Conditions:
Juvenile myelomonocytic leukemia (JMML). Also called: LEUKEMIA, JUVENILE MYELOMONOCYTIC, SOMATIC. Identifiers: Orphanet 86834, MedGen C0349639, MONDO:0011908, OMIM 607785, HP:0012209.
RASopathy. Also called: Noonan spectrum disorder; rasopathies. Identifiers: Orphanet 536391, MedGen C5555857, MONDO:0021060.
CBL-related disorder. Also called: NOONAN SYNDROME-LIKE DISORDER WITHOUT JUVENILE MYELOMONOCYTIC LEUKEMIA; CBL MUTATION-ASSOCIATED SYNDROME; CBL SYNDROME. Identifiers: Orphanet 363972, MedGen C3150803, MONDO:0013308, OMIM 613563.
Cardiovascular phenotype. Identifiers: MedGen CN230736.

Allele frequency attached by ClinVar (database versions not stated): gnomAD below 0.00001 and 0.00005; gnomAD exomes 0.00014; 1000 Genomes Project 30x 0.00016; ExAC 0.00019; 1000 Genomes Project 0.00020.
gnomAD v4.1: 107 of 1,614,012 alleles (0.0066%); highest among the groups gnomAD compares: South Asian, 0.11%; no homozygotes.

Submissions (7):

Labcorp Genetics (formerly Invitae), Labcorp
Classification: Benign for RASopathy. Last evaluated: 2025-10-29. Review status: criteria provided, single submitter. Criteria: Invitae Variant Classification Sherloc (09022015). Collection method: clinical testing. Allele origin: germline.

Ambry Genetics
Classification: Likely benign for Cardiovascular phenotype. Last evaluated: 2024-12-17. Review status: criteria provided, single submitter. Criteria: Ambry Variant Classification Scheme 2023. Collection method: clinical testing. Allele origin: germline.

Blueprint Genetics
Classification: Likely benign. Last evaluated: 2024-07-30. Review status: criteria provided, single submitter. Criteria: ACMG Guidelines, 2015. Collection method: clinical testing. Allele origin: germline.

KCCC/NGS Laboratory, Kuwait Cancer Control Center
Classification: Benign for Juvenile myelomonocytic leukemia. Last evaluated: 2023-07-07. Review status: criteria provided, single submitter. Criteria: ACMG Guidelines, 2015. Collection method: clinical testing. Allele origin: germline. Affected: yes.

ARUP Laboratories, Molecular Genetics and Genomics, ARUP Laboratories
Classification: Likely benign. Last evaluated: 2021-04-26. Review status: criteria provided, single submitter. Criteria: ARUP Molecular Germline Variant Investigation Process 2021. Collection method: clinical testing. Allele origin: germline.

Illumina Laboratory Services, Illumina
Classification: Likely benign for CBL-related disorder. Last evaluated: 2017-04-27. Review status: criteria provided, single submitter. Criteria: ICSL Variant Classification Criteria 13 December 2019. Collection method: clinical testing. Allele origin: germline.
Comment: This variant was observed as part of a predisposition screen in an ostensibly healthy population. A literature search was performed for the gene, cDNA change, and amino acid change (where applicable). No publications were found based on this search. Allele frequency data from public databases allowed determination this variant is unlikely to cause disease. Therefore, this variant is classified as likely benign.

PreventionGenetics, part of Exact Sciences
Classification: Likely benign for CBL-related condition. Last evaluated: 2019-03-25. Review status: no assertion criteria provided. Collection method: clinical testing. Allele origin: germline. Not counted in ClinVar's aggregate classification.
Comment: This variant is classified as likely benign based on ACMG/AMP sequence variant interpretation guidelines (Richards et al. 2015 PMID: 25741868, with internal and published modifications).

NM_005188.4(CBL):c.1629A>G (p.Pro543=)

Gene: CBL (Cbl proto-oncogene; plus strand). Cytogenetic location: 11q23.3.
Variant type: single nucleotide variant.
Coding change: c.1629A>G on transcript NM_005188.4 (MANE Select); coding-DNA position 1629, A replaced by G.
Protein change: p.Pro543=; no amino-acid change (proline 543 retained).
Molecular consequence: synonymous variant.
Genome position (GRCh38, 1-based): chr11:119,285,254, A>G. VCF-style: chr11-119285254-A-G. GRCh37 (hg19) VCF-style: chr11-119155964-A-G.
Other names: c.1629A>G (NM_005188.2).
Identifiers: ClinVar variation 302782 (VCV000302782.26), dbSNP rs558577411, ClinGen allele CA6318576.